The following is an entry in ClinVar:

NM_022367.4(SEMA4A):c.2129T>G (p.Leu710Arg)

Gene: SEMA4A (semaphorin 4A; plus strand). Cytogenetic location: 1q22.
Variant type: single nucleotide variant.
Coding change: c.2129T>G on transcript NM_022367.4 (MANE Select); coding-DNA position 2129, T replaced by G.
Protein change: p.Leu710Arg; replaces leucine 710 with arginine.
Molecular consequence: missense variant.
Genome position (GRCh38, 1-based): chr1:156,176,840, T>G. VCF-style: chr1-156176840-T-G. GRCh37 (hg19) VCF-style: chr1-156146631-T-G.
Other names: c.2129T>G, p.Leu710Arg (NM_001193300.2, NM_001193301.2, NM_001370567.1); c.1733T>G, p.Leu578Arg (NM_001193302.2); c.1832T>G, p.Leu611Arg (NM_001370568.1); c.1622T>G, p.Leu541Arg (NM_001370569.1, NM_001370571.1); short protein forms L541R, L611R, L578R, L710R.
Identifiers: ClinVar variation 942800 (VCV000942800.10), dbSNP rs1387397737, ClinGen allele CA342813707.

ClinVar aggregate classification (germline): Uncertain significance. Review status: criteria provided, multiple submitters, no conflicts (2 of 4 stars). 2 submissions from 2 submitters: Uncertain significance (2). Last evaluated 2024-02-17.

Allele frequency attached by ClinVar (database versions not stated): gnomAD exomes 0.00001.
gnomAD v4.1: 8 of 1,614,198 alleles (0.0005%); highest among the groups gnomAD compares: Non-Finnish European, 0.00068%; no homozygotes.

Submissions (2):

Labcorp Genetics (formerly Invitae), Labcorp
Classification: Uncertain significance. Last evaluated: 2024-02-17. Review status: criteria provided, single submitter. Criteria: Invitae Variant Classification Sherloc (09022015). Collection method: clinical testing. Allele origin: germline.
Comment: This sequence change replaces leucine, which is neutral and non-polar, with arginine, which is basic and polar, at codon 710 of the SEMA4A protein (p.Leu710Arg). This variant is not present in population databases (gnomAD no frequency). This variant has not been reported in the literature in individuals affected with SEMA4A-related conditions. ClinVar contains an entry for this variant (Variation ID: 942800). An algorithm developed to predict the effect of missense changes on protein structure and function (PolyPhen-2) suggests that this variant is likely to be disruptive. In summary, the available evidence is currently insufficient to determine the role of this variant in disease. Therefore, it has been classified as a Variant of Uncertain Significance.

Blueprint Genetics
Classification: Uncertain significance. Last evaluated: 2019-11-27. Review status: criteria provided, single submitter. Criteria: ACMG Guidelines, 2015. Collection method: clinical testing. Allele origin: germline.